The following is an entry in ClinVar:

ClinVar aggregate classification (germline): Pathogenic. Review status: reviewed by expert panel (3 of 4 stars). 14 submissions from 14 submitters: Pathogenic (1). 13 of the submissions do not count toward it. Last evaluated 2020-07-24.

Conditions:
PAH-related disorder. Also called: PAH-related condition.
Phenylketonuria (PKU). Also called: Phenylketonuria (PKU); OLIGOPHRENIA PHENYLPYRUVICA; Phenylketonurias; FOLLING DISEASE. Identifiers: Orphanet 716, MedGen C0031485, MONDO:0009861, OMIM 261600. Disease mechanism: loss of function.

Allele frequency attached by ClinVar (database versions not stated): ExAC 0.00004; gnomAD exomes 0.00007 and 0.00005; gnomAD 0.00007 and 0.00008; TOPMed 0.00011.
gnomAD v4.1: 119 of 1,613,714 alleles (0.0074%); highest among the groups gnomAD compares: Admixed American, 0.015%; no homozygotes.

Submissions (14):

ClinGen PAH Variant Curation Expert Panel
Classification: Pathogenic for Phenylketonuria. Last evaluated: 2020-07-24. Review status: reviewed by expert panel. Criteria: ClinGen PAH ACMG Specifications v1. Collection method: curation. Allele origin: germline. Inheritance: Autosomal recessive inheritance.
Comment: A defect in the synthesis or regeneration pathways 6R-BH4 was ruled out by analyzing urinary pterin levels and by measuring the dihydropteridine reductase activity (PMID 27121329). It was detected in trans with several pathogenic variants including p.Ala300Ser, p.Asp415Asn, p.Arg158Gln, and c.1315+1G>A (PMID 27121329, 22841515). This variant was found in low frequency in gnomAD (MAF=0.00016) and was predicted deleterious using in silico data. In summary, this variant meets criteria to be classified as pathogenic for PAH. PAH-specific ACMG/AMP criteria applied: PM3 very strong, PM2, PP4 Moderate, and PP3.

Labcorp Genetics (formerly Invitae), Labcorp
Classification: Pathogenic for Phenylketonuria. Last evaluated: 2026-01-13. Review status: criteria provided, single submitter. Criteria: Invitae Variant Classification Sherloc (09022015). Collection method: clinical testing. Allele origin: germline. Not counted in ClinVar's aggregate classification.
Comment: This sequence change replaces arginine, which is basic and polar, with serine, which is neutral and polar, at codon 68 of the PAH protein (p.Arg68Ser). This variant is present in population databases (rs76394784, gnomAD 0.01%). This missense change has been observed in individual(s) with mild and classic phenylketonuria (PKU) (PMID: 9634518, 11051201, 23500595, 23514811, 23764561). ClinVar contains an entry for this variant (Variation ID: 92738). Invitae Evidence Modeling of protein sequence and biophysical properties (such as structural, functional, and spatial information, amino acid conservation, physicochemical variation, residue mobility, and thermodynamic stability) indicates that this missense variant is not expected to disrupt PAH protein function with a negative predictive value of 80%. Experimental studies have shown that this missense change affects PAH function (PMID: 21953985). For these reasons, this variant has been classified as Pathogenic.

Natera, Inc.
Classification: Pathogenic for Phenylketonuria. Last evaluated: 2025-09-06. Review status: criteria provided, single submitter. Criteria: Natera Variant Classification Schema (03/2026). Collection method: clinical testing. Allele origin: germline. Not counted in ClinVar's aggregate classification.
Comment: The c.204A>T variant in PAH is a missense variant predicted to cause substitution of arginine to serine at amino acid 68. This variant is rare in the general population with a frequency below the threshold expected for the associated phenotype(s). This variant has been observed in one or more individuals affected with the associated recessive disease, as either homozygous or compound heterozygous with a second variant (PMID: 27243974, 26666653). Given the available evidence, this variant is classified as Pathogenic.

PreventionGenetics, part of Exact Sciences
Classification: Pathogenic for PAH-related condition. Last evaluated: 2025-05-27. Review status: criteria provided, single submitter. Criteria: ACMG Guidelines, 2015. Collection method: clinical testing. Allele origin: germline. Not counted in ClinVar's aggregate classification.
Comment: The PAH c.204A>T variant is predicted to result in the amino acid substitution p.Arg68Ser. This variant has been reported in the homozygous state or with a second causative PAH variant in numerous patients, primarily in those with mild phenylketonuria (mPKU) or non-PKU mild hyperphenylalaninemia (mHPA) (Rivera et al. 2011. PubMed ID: 21871829; Sarkissian et al. 2012. PubMed ID: 23430918; Quirk et al. 2012. PubMed ID: 22841515; Couce et al. 2013. PubMed ID: 23500595; Jeannesson-Thivisol et al. 2015. PubMed ID: 26666653). The p.Arg68Ser substitution has been reported to reduce PAH enzyme activity to a range of 18-76% of control activity, which would be consistent with mPKU or mHPA (Couce et al. 2013. PubMed ID: 23500595; Himmelreich et al. 2018. PubMed ID: 30037505). It is unclear whether the p.Arg68Ser substitution results in tetrahydrobiopterin (BH4) responsiveness (Quirk et al. 2012. PubMed ID: 22841515; Sarkissian et al. 2012. PubMed ID: 23430918). This variant is classified as pathogenic by the ClinGen PAH Variant Curation Expert Panel and several other outside laboratories. In summary, we classify the c.204A>T (p.Arg68Ser) variant as pathogenic.

Mayo Clinic Laboratories, Mayo Clinic
Classification: Pathogenic. Last evaluated: 2025-03-03. Review status: criteria provided, single submitter. Criteria: ACMG Guidelines, 2015. Collection method: clinical testing. Allele origin: germline. Observed: 1 variant allele. Not counted in ClinVar's aggregate classification.
Comment: PP3_moderate, PP4_moderate, PM2_supporting, PM3_very_strong

Blueprint Genetics
Classification: Pathogenic for PAH-related disorders. Last evaluated: 2024-06-04. Review status: criteria provided, single submitter. Criteria: ACMG Guidelines, 2015. Collection method: clinical testing. Allele origin: germline. Affected: yes. Observed: 5 variant alleles. Not counted in ClinVar's aggregate classification.

CeGaT Center for Human Genetics Tuebingen
Classification: Pathogenic. Last evaluated: 2024-06-01. Review status: criteria provided, single submitter. Criteria: CeGaT Center For Human Genetics Tuebingen Variant Classification Criteria Version 2. Collection method: clinical testing. Allele origin: germline. Affected: yes. Observed: 2 variant alleles. Not counted in ClinVar's aggregate classification.
Comment: PAH: PM3:Very Strong, PM2, PM5, PS3:Moderate

Department of Human Genetics, Hannover Medical School
Classification: Likely pathogenic for Phenylketonuria. Last evaluated: 2022-05-30. Review status: criteria provided, single submitter. Criteria: ACMG Guidelines, 2015. Collection method: clinical testing. Allele origin: germline. Inheritance: Autosomal recessive inheritance. Affected: yes. Not counted in ClinVar's aggregate classification.

Revvity Omics, Revvity
Classification: Pathogenic for Phenylketonuria. Last evaluated: 2021-04-20. Review status: criteria provided, single submitter. Criteria: ACMG Guidelines, 2015. Collection method: clinical testing. Allele origin: germline. Not counted in ClinVar's aggregate classification.

Eurofins Ntd Llc (ga)
Classification: Pathogenic. Last evaluated: 2017-11-13. Review status: criteria provided, single submitter. Criteria: EGL Classification Definitions 2015. Collection method: clinical testing. Allele origin: germline. Observed: 7 variant alleles, 7 heterozygotes. Not counted in ClinVar's aggregate classification.

Women's Health and Genetics/Laboratory Corporation of America, LabCorp
Classification: Pathogenic for Phenylketonuria. Last evaluated: 2016-09-09. Review status: criteria provided, single submitter. Criteria: LabCorp Variant Classification Summary - May 2015. Collection method: clinical testing. Allele origin: germline. Not counted in ClinVar's aggregate classification.
Comment: Variant summary: The PAH c.204A>T (p.Arg68Ser) variant causes a missense change involving a non-conserved nucleotide with 5/5 in silico tools predicting a damaging outcome. The variant of interest was observed in the large, broad control population, ExAC, with an allele frequency of 5/121282 (1/24271), which does not exceed the estimated maximal expected allele frequency for a pathogenic PAH variant of 1/126. Multiple publications cite the variant in affected compound heterozygote and homozygote individuals. In addition, multiple reputable databases and clinical diagnostic laboratories cite the variant as "likely pathogenic/pathogenic." Therefore, the variant of interest has been classified as a "Pathogenic Variant."

Quest Diagnostics Nichols Institute San Juan Capistrano
Classification: Pathogenic. Last evaluated: 2016-08-12. Review status: criteria provided, single submitter. Criteria: Quest Diagnostics criteria. Collection method: clinical testing. Allele origin: germline. Not counted in ClinVar's aggregate classification.

Counsyl
Classification: Likely pathogenic for Phenylketonuria. Last evaluated: 2014-08-26. Review status: no assertion criteria provided. Collection method: literature only. Allele origin: unknown. Inheritance: Autosomal recessive inheritance. Not counted in ClinVar's aggregate classification.

DeBelle Laboratory for Biochemical Genetics, MUHC/MCH RESEARCH INSTITUTE
No classification provided. Review status: no classification provided. Collection method: not provided. Allele origin: not provided. Not counted in ClinVar's aggregate classification.

Literature cited by the submitters: PubMed 26666653 (cited by 3 submitters); PubMed 23764561 (cited by 3 submitters); PubMed 9634518 (cited by 3 submitters); PubMed 11051201 (cited by Labcorp Genetics (formerly Invitae), Labcorp); PubMed 23500595 (cited by 4 submitters); PubMed 23514811 (cited by Labcorp Genetics (formerly Invitae), Labcorp); PubMed 21953985 (cited by Labcorp Genetics (formerly Invitae), Labcorp); PubMed 27243974 (cited by Natera, Inc.); PubMed 10234516 (cited by Mayo Clinic Laboratories, Mayo Clinic); PubMed 15936235 (cited by Mayo Clinic Laboratories, Mayo Clinic); PubMed 22841515 (cited by Mayo Clinic Laboratories, Mayo Clinic and Counsyl); PubMed 27121329 (cited by Mayo Clinic Laboratories, Mayo Clinic); PubMed 1301187 (cited by Eurofins Ntd Llc (ga)); PubMed 15557004 (cited by Counsyl); PubMed 11524738 (cited by Counsyl); PubMed 16143554 (cited by Counsyl); PubMed 10495930 (cited by Counsyl); PubMed 11326337 (cited by Counsyl); PubMed 24350308 (cited by Counsyl); PubMed 8889590 (cited by Counsyl); PubMed 17513426 (cited by Counsyl); PubMed 12655553 (cited by Counsyl); PubMed 19609714 (cited by Counsyl); PubMed 21871829 (cited by Counsyl); PubMed 23074961 (cited by Counsyl); PubMed 10693064 (cited by Counsyl); PubMed 11678552 (cited by Counsyl); PubMed 17935162 (cited by Counsyl); PubMed 23430918 (cited by Counsyl); PubMed 10394930 (cited by Counsyl); PubMed 15464430 (cited by Counsyl).

NM_000277.3(PAH):c.204A>T (p.Arg68Ser)

Gene: PAH (phenylalanine hydroxylase; minus strand). Cytogenetic location: 12q23.2.
Variant type: single nucleotide variant.
Coding change: c.204A>T on transcript NM_000277.3 (MANE Select); coding-DNA position 204, A replaced by T.
Protein change: p.Arg68Ser; replaces arginine 68 with serine.
Molecular consequence: missense variant.
Genome position (GRCh38, 1-based): chr12:102,894,883, T>A on the plus strand (A>T on the coding strand, the complement: PAH is on the minus strand). VCF-style: chr12-102894883-T-A. GRCh37 (hg19) VCF-style: chr12-103288661-T-A.
Other names: c.204A>T, p.Arg68Ser (NM_001354304.2); c.204A>T (NM_000277.2); short protein forms R68S.
Identifiers: ClinVar variation 92738 (VCV000092738.96), dbSNP rs76394784, ClinGen allele CA273113.
Genomic context (GRCh38, chr12:102,894,883, plus strand): 5'-CAGGCTACGTTTATCCAAATGGGTGAAAAATTCATACTCATCTTTCTTTAAACGAGAAGG[T>A]CTAGATTCAATGTGGGTCAGGTTTACATCATTCTCCTAGAAGAGAGAATGGGGAGGGTGA-3'
Protein context (NP_000268.1, residues 58-78): NDVNLTHIES[Arg68Ser]PSRLKKDEYE